The following is an entry in ClinVar:

NM_004100.5(EYA4):c.1223G>A (p.Arg408His)

Genes: EYA4 (EYA transcriptional coactivator and phosphatase 4; plus strand), TARID (TCF21 antisense RNA inducing promoter demethylation; minus strand), LOC126859796 (MED14-independent group 3 enhancer GRCh37_chr6:133826289-133827488; plus strand). Cytogenetic location: 6q23.2.
Variant type: single nucleotide variant.
Coding change: c.1223G>A on transcript NM_004100.5 (MANE Select); coding-DNA position 1223, G replaced by A.
Protein change: p.Arg408His; replaces arginine 408 with histidine.
Molecular consequence: missense variant. On other transcripts: non-coding transcript variant (1).
Genome position (GRCh38, 1-based): chr6:133,506,137, G>A. VCF-style: chr6-133506137-G-A. GRCh37 (hg19) VCF-style: chr6-133827275-G-A.
Other names: c.1061G>A, p.Arg354His (NM_001301012.2); c.1241G>A, p.Arg414His (NM_001301013.2); c.1154G>A, p.Arg385His (NM_001370458.1, NM_172103.4); c.1079G>A, p.Arg360His (NM_001370459.1); c.1223G>A, p.Arg408His (NM_172105.4); short protein forms R408H, R385H, R354H, R414H, R360H.
Identifiers: ClinVar variation 228680 (VCV000228680.20), dbSNP rs760787542, ClinGen allele CA4008303.
Genomic context (GRCh38, chr6:133,506,137, plus strand): 5'-ACCTCATTATGTGTACATTTTCTTTACAGGATCCCCCCATGGCTGTAACCCTTGGACTCC[G>A]CATGGAAGAAATGATTTTTAATCTTGCTGATACTCATTTGTTTTTTAATGATTTAGAGGT-3'
Protein context (NP_004091.3, residues 398-418): DPPMAVTLGL[Arg408His]MEEMIFNLAD

ClinVar aggregate classification (germline): Uncertain significance. Review status: criteria provided, multiple submitters, no conflicts (2 of 4 stars). 7 submissions from 7 submitters: Uncertain significance (7). Last evaluated 2026-01-27.

Conditions:
Cardiovascular phenotype. Identifiers: MedGen CN230736.
Dilated cardiomyopathy 1J (CMD1J). Also called: CARDIOMYOPATHY, DILATED, WITH SENSORINEURAL HEARING LOSS, AUTOSOMAL DOMINANT. Identifiers: Orphanet 217622, MedGen C1854368, MONDO:0011541, OMIM 605362.
Autosomal dominant nonsyndromic hearing loss 10. Identifiers: Orphanet 90635, MedGen C1832476, MONDO:0011031, OMIM 601316.

Allele frequency attached by ClinVar (database versions not stated): gnomAD 0.00003 and 0.00004; gnomAD exomes 0.00003; ExAC 0.00005; TOPMed 0.00005.

Submissions (7):

Labcorp Genetics (formerly Invitae), Labcorp
Classification: Uncertain significance for Dilated cardiomyopathy 1J. Last evaluated: 2026-01-27. Review status: criteria provided, single submitter. Criteria: Invitae Variant Classification Sherloc (09022015). Collection method: clinical testing. Allele origin: germline.
Comment: This sequence change replaces arginine, which is basic and polar, with histidine, which is basic and polar, at codon 408 of the EYA4 protein (p.Arg408His). This variant is present in population databases (rs760787542, gnomAD 0.008%). This missense change has been observed in individual(s) with EYA4-related conditions (PMID: 28798025, 32107406, 32277154). ClinVar contains an entry for this variant (Variation ID: 228680). Invitae Evidence Modeling of protein sequence and biophysical properties (such as structural, functional, and spatial information, amino acid conservation, physicochemical variation, residue mobility, and thermodynamic stability) indicates that this missense variant is not expected to disrupt EYA4 protein function with a negative predictive value of 80%. In summary, the available evidence is currently insufficient to determine the role of this variant in disease. Therefore, it has been classified as a Variant of Uncertain Significance.

Women's Health and Genetics/Laboratory Corporation of America, LabCorp
Classification: Uncertain significance. Last evaluated: 2025-11-25. Review status: criteria provided, single submitter. Criteria: LabCorp Variant Classification Summary - May 2015. Collection method: clinical testing. Allele origin: germline.
Comment: Variant summary: EYA4 c.1223G>A (p.Arg408His) results in a non-conservative amino acid change located in the EYA domain (IPR006545) of the encoded protein sequence. Algorithms developed to predict the effect of missense changes on protein structure and function are either unavailable or do not agree on the potential impact of this missense change. The variant allele was found at a frequency of 3.2e-05 in 251174 control chromosomes. The available data on variant occurrences in the general population are insufficient to allow any conclusion about variant significance. c.1223G>A has been observed in individual(s) affected with Left Ventricular Non-Compaction Cardiomyopathy (Miszalski-Jamka_2017) or sudden cardiac arrest (Grondin_2022). These report(s) do not provide unequivocal conclusions about association of the variant with Dilated Cardiomyopathy. To our knowledge, no experimental evidence demonstrating an impact on protein function has been reported. The following publications have been ascertained in the context of this evaluation (PMID: 33745059, 35352813, 28798025). ClinVar contains an entry for this variant (Variation ID: 228680). Based on the evidence outlined above, the variant was classified as uncertain significance.

Ambry Genetics
Classification: Uncertain significance for Cardiovascular phenotype. Last evaluated: 2025-03-25. Review status: criteria provided, single submitter. Criteria: Ambry Variant Classification Scheme 2023. Collection method: clinical testing. Allele origin: germline.
Comment: The p.R408H variant (also known as c.1223G>A), located in coding exon 13 of the EYA4 gene, results from a G to A substitution at nucleotide position 1223. The arginine at codon 408 is replaced by histidine, an amino acid with highly similar properties. This amino acid position is highly conserved in available vertebrate species. In addition, this alteration is predicted to be deleterious by in silico analysis. Since supporting evidence is limited at this time, the clinical significance of this alteration remains unclear.

Victorian Clinical Genetics Services, Murdoch Childrens Research Institute
Classification: Uncertain significance for Autosomal dominant nonsyndromic hearing loss 10. Last evaluated: 2022-02-02. Review status: criteria provided, single submitter. Criteria: ACMG Guidelines, 2015. Collection method: clinical testing. Allele origin: germline. Inheritance: Autosomal dominant inheritance.
Comment: Based on the classification scheme VCGS_Germline_v1.3.4, this variant is classified as VUS-3C. Following criteria are met: 0102 - Loss of function is a known mechanism of disease in this gene and is associated with deafness 10 (MIM#601316). (I) 0107 - This gene is associated with autosomal dominant disease. (I) 0200 - Variant is predicted to result in a missense amino acid change from arginine to histidine. (I) 0251 - This variant is heterozygous. (I) 0302 - Variant is present in gnomAD (v2) <0.001 for a dominant condition (10 heterozygotes, 0 homozygotes). (SP) 0309 - An alternative amino acid change at the same position has been observed in gnomAD (v2) (25 heterozygotes, 0 homozygotes). (I) 0502 - Missense variant with conflicting in silico predictions and uninformative conservation. (I) 0600 - Variant is located in the annotated haloacid dehalogenase-like hydrolase domain (DECIPHER). (I) 0705 - No comparable missense variants have previous evidence for pathogenicity. (I) 0809 - Previous evidence of pathogenicity for this variant is inconclusive. This variant has been reported once as a VUS in ClinVar and also in a patient with left ventricular non-compaction cardiomyopathy (PMID: 28798025). (I) 0905 - No published segregation evidence has been identified for this variant. (I) 1007 - No published functional evidence has been identified for this variant. (I) 1208 - Inheritance information for this variant is not currently available in this individual. (I) Legend: (SP) - Supporting pathogenic, (I) - Information, (SB) - Supporting benign

Revvity Omics, Revvity
Classification: Uncertain significance. Last evaluated: 2019-02-07. Review status: criteria provided, single submitter. Criteria: ACMG Guidelines, 2015. Collection method: clinical testing. Allele origin: germline.

Laboratory for Molecular Medicine, Mass General Brigham Personalized Medicine
Classification: Uncertain significance. Last evaluated: 2015-08-27. Review status: criteria provided, single submitter. Criteria: LMM Criteria. Collection method: clinical testing. Allele origin: germline. Observed: 1 variant allele.
Comment: The p.Arg408His variant in EYA4 has not been previously reported in individuals with hearing loss, but has been identified in 5/66620 European chromosomes by th e Exome Aggregation Consortium (ExAC). Computati onal prediction tools and conservation analysis do not provide strong support fo r or against an impact to the protein. In summary, the clinical significance of the p.Arg408His variant is uncertain.

Breakthrough Genomics
Classification: Uncertain significance. Review status: criteria provided, single submitter. Criteria: ACMG Guidelines, 2015. Collection method: not provided. Allele origin: germline. Inheritance: Autosomal dominant inheritance. Affected: yes.

Literature cited by the submitters: PubMed 28798025 (cited by 3 submitters); PubMed 32107406 (cited by Labcorp Genetics (formerly Invitae), Labcorp); PubMed 32277154 (cited by Labcorp Genetics (formerly Invitae), Labcorp); PubMed 33745059 (cited by Women's Health and Genetics/Laboratory Corporation of America, LabCorp); PubMed 35352813 (cited by Women's Health and Genetics/Laboratory Corporation of America, LabCorp).